The following is an entry in ClinVar:

NM_000719.7(CACNA1C):c.95C>G (p.Ala32Gly)

Gene: CACNA1C (calcium voltage-gated channel subunit alpha1 C; plus strand). Cytogenetic location: 12p13.33.
Variant type: single nucleotide variant.
Coding change: c.95C>G on transcript NM_000719.7 (MANE Select); coding-DNA position 95, C replaced by G.
Protein change: p.Ala32Gly; replaces alanine 32 with glycine.
Molecular consequence: missense variant.
Genome position (GRCh38, 1-based): chr12:2,115,269, C>G. VCF-style: chr12-2115269-C-G. GRCh37 (hg19) VCF-style: chr12-2224435-C-G.
Other names: c.95C>G, p.Ala32Gly (NM_001129827.2, NM_001129829.2, NM_001129830.3 and 19 more transcripts); short protein forms A32G.
Identifiers: ClinVar variation 1995459 (VCV001995459.4), dbSNP rs2547559943, ClinGen allele CA383652927.
Genomic context (GRCh38, chr12:2,115,269, plus strand): 5'-TCTCTTTTGCCACAGGTTCCAACTATGGGAGCCCACGCCCCGCCCATGCCAACATGAATG[C>G]CAATGCGGCAGCGGGGCTGGCCCCTGAGCACATCCCCACCCCGGGGGCTGCCCTGTCGTG-3'
Protein context (NP_000710.5, residues 22-42): SPRPAHANMN[Ala32Gly]NAAAGLAPEH

ClinVar aggregate classification (germline): Uncertain significance (1 of 4 stars; one submission).

Conditions:
Long QT syndrome (LQTS). Identifiers: MedGen C0023976, MeSH D008133, MONDO:0002442. Disease mechanism: loss of function. Inheritance: Various modes of inheritance.

gnomAD v4.1: 1 of 1,591,926 alleles (0.000063%); highest among the groups gnomAD compares: Non-Finnish European, 0.000086%; no homozygotes.

Submission:

Labcorp Genetics (formerly Invitae), Labcorp
Classification: Uncertain significance for Long QT syndrome. Last evaluated: 2022-05-17. Review status: criteria provided, single submitter. Criteria: Invitae Variant Classification Sherloc (09022015). Collection method: clinical testing. Allele origin: germline.
Comment: In summary, the available evidence is currently insufficient to determine the role of this variant in disease. Therefore, it has been classified as a Variant of Uncertain Significance. Algorithms developed to predict the effect of missense changes on protein structure and function (SIFT, PolyPhen-2, Align-GVGD) all suggest that this variant is likely to be tolerated. This variant has not been reported in the literature in individuals affected with CACNA1C-related conditions. This variant is not present in population databases (gnomAD no frequency). This sequence change replaces alanine, which is neutral and non-polar, with glycine, which is neutral and non-polar, at codon 32 of the CACNA1C protein (p.Ala32Gly).